The following is an entry in ClinVar:

ClinVar aggregate classification (germline): Likely pathogenic (1 of 4 stars; one submission).

Conditions:
SMARCE1-related disorder. Also called: SMARCE1-related condition.

Submission:

PreventionGenetics, part of Exact Sciences
Classification: Likely pathogenic for SMARCE1-related condition. Last evaluated: 2025-03-31. Review status: criteria provided, single submitter. Criteria: ACMG Guidelines, 2015. Collection method: clinical testing. Allele origin: germline.
Comment: The SMARCE1 c.106dupT variant is predicted to result in a frameshift and premature protein termination (p.Tyr36Leufs*33). To our knowledge, this variant has not been reported in the literature or in a large population database (gnomAD), indicating this variant is rare. Early termination changes downstream of this change are reported in patients with adult-onset meningioma. This variant is likely pathogenic in relation to autosomal dominant susceptibility to meningioma.

NM_003079.5(SMARCE1):c.106dup (p.Tyr36fs)

Gene: SMARCE1 (SWI/SNF related BAF chromatin remodeling complex subunit E1; minus strand). Cytogenetic location: 17q21.2.
Variant type: Duplication.
Coding change: c.106dup on transcript NM_003079.5 (MANE Select); coding-DNA position 106, one base duplicated (T; older notation c.106dupT).
Protein change: p.Tyr36fs; shifts the reading frame from tyrosine 36.
Molecular consequence: frameshift variant.
Genome position (GRCh38, 1-based): chr17:40,642,505, A duplicated on the plus strand (T on the coding strand, the reverse complement: SMARCE1 is on the minus strand). VCF-style (leftmost placement, unchanged base first): chr17-40642504-T-TA. GRCh37 (hg19) VCF-style: chr17-38798756-T-TA.
Other names: c.106dupT (NM_003079.4); short protein forms Y36fs.
Identifiers: ClinVar variation 5002224 (VCV005002224.1).
Genomic context (GRCh38, chr17:40,642,504, plus strand): 5'-GATTCTCCTACCGTGACCCGGCTGTTGGTGCCCGGGTTCCCTCCCAGCCTGTAGTTGTTG[T>TA]AGGCGAGATGACTGTATGGATTGTATCCCACAAACCCTGGTGTGCTGGGCATTTGCTGAT-3'